The following is an entry in ClinVar:

NM_000257.4(MYH7):c.710G>A (p.Arg237Gln)

Gene: MYH7 (myosin heavy chain 7; minus strand). Cytogenetic location: 14q11.2.
Variant type: single nucleotide variant.
Coding change: c.710G>A on transcript NM_000257.4 (MANE Select); coding-DNA position 710, G replaced by A.
Protein change: p.Arg237Gln; replaces arginine 237 with glutamine.
Molecular consequence: missense variant.
Genome position (GRCh38, 1-based): chr14:23,431,607, C>T on the plus strand (G>A on the coding strand, the complement: MYH7 is on the minus strand). VCF-style: chr14-23431607-C-T. GRCh37 (hg19) VCF-style: chr14-23900816-C-T.
Other names: short protein forms R237Q.
Identifiers: ClinVar variation 43099 (VCV000043099.21), dbSNP rs397516263, ClinGen allele CA016667.
Genomic context (GRCh38, chr14:23,431,607, plus strand): 5'-CAGTCCAAGTCCCAAGGCCAAGGTCAGGGACCACTCACGAAGCGGGAGGAGTTGTCGTTC[C>T]GGACGGTCTTGGCATTGCCAAAGGCCTCCAGAGCAGGGTTGGCCTGGATGATCTGGTCCT-3'
Protein context (NP_000248.2, residues 227-247): LEAFGNAKTV[Arg237Gln]NDNSSRFGKF

ClinVar aggregate classification (germline): Conflicting classifications of pathogenicity. Review status: criteria provided, conflicting classifications (1 of 4 stars). 6 submissions from 6 submitters: Likely pathogenic (2); Uncertain significance (4). Last evaluated 2024-08-21.

Conditions:
MYH7-related disorder. Also called: MYH7-related disorders; MYH7-related condition; MYH7-related disease.
Cardiovascular phenotype. Identifiers: MedGen CN230736.
Hypertrophic cardiomyopathy. Also called: HYPERTROPHIC MYOCARDIOPATHY. Identifiers: Orphanet 217569, MedGen C0007194, MeSH D002312, MONDO:0005045, HP:0001639.

Allele frequency attached by ClinVar (database versions not stated): gnomAD exomes below 0.00001.

Submissions (6):

GeneDx
Classification: Uncertain significance. Last evaluated: 2024-08-21. Review status: criteria provided, single submitter. Criteria: GeneDx Variant Classification Process June 2021. Collection method: clinical testing. Allele origin: germline. Affected: yes.
Comment: Not observed at significant frequency in large population cohorts (gnomAD); In silico analysis supports that this missense variant has a deleterious effect on protein structure/function; This variant is associated with the following publications: (PMID: 29300372, 27532257, 37652022)

Labcorp Genetics (formerly Invitae), Labcorp
Classification: Likely pathogenic for Hypertrophic cardiomyopathy. Last evaluated: 2024-05-22. Review status: criteria provided, single submitter. Criteria: Invitae Variant Classification Sherloc (09022015). Collection method: clinical testing. Allele origin: germline.
Comment: This sequence change replaces arginine, which is basic and polar, with glutamine, which is neutral and polar, at codon 237 of the MYH7 protein (p.Arg237Gln). This variant is not present in population databases (gnomAD no frequency). This missense change has been observed in individual(s) with cardiomyopathy (PMID: 27532257). ClinVar contains an entry for this variant (Variation ID: 43099). Advanced modeling of protein sequence and biophysical properties (such as structural, functional, and spatial information, amino acid conservation, physicochemical variation, residue mobility, and thermodynamic stability) performed at Invitae indicates that this missense variant is expected to disrupt MYH7 protein function with a positive predictive value of 95%. This variant disrupts the p.Arg237 amino acid residue in MYH7. Other variant(s) that disrupt this residue have been determined to be pathogenic (PMID: 19412328, 27532257, 28416588, 29666183; Invitae). This suggests that this residue is clinically significant, and that variants that disrupt this residue are likely to be disease-causing. In summary, the currently available evidence indicates that the variant is pathogenic, but additional data are needed to prove that conclusively. Therefore, this variant has been classified as Likely Pathogenic.

Blueprint Genetics
Classification: Likely pathogenic for MYH7-related disorders. Last evaluated: 2020-11-30. Review status: criteria provided, single submitter. Criteria: ACMG Guidelines, 2015. Collection method: clinical testing. Allele origin: germline. Affected: yes. Observed: 3 variant alleles.

Ambry Genetics
Classification: Uncertain significance for Cardiovascular phenotype. Last evaluated: 2020-08-24. Review status: criteria provided, single submitter. Criteria: Ambry Variant Classification Scheme 2023. Collection method: clinical testing. Allele origin: germline.

Stanford Center for Inherited Cardiovascular Disease, Stanford University
Classification: Uncertain significance. Last evaluated: 2017-06-20. Review status: criteria provided, single submitter. Criteria: ACMG Guidelines, 2015. Collection method: provider interpretation. Allele origin: germline.

Laboratory for Molecular Medicine, Mass General Brigham Personalized Medicine
Classification: Uncertain significance. Last evaluated: 2015-08-21. Review status: criteria provided, single submitter. Criteria: LMM Criteria. Collection method: clinical testing. Allele origin: germline. Observed: 2 variant alleles.
Comment: proposed classification - variant undergoing re-assessment, contact laboratory

Literature cited by the submitters: PubMed 27532257 (cited by Labcorp Genetics (formerly Invitae), Labcorp); PubMed 19412328 (cited by Labcorp Genetics (formerly Invitae), Labcorp); PubMed 28416588 (cited by Labcorp Genetics (formerly Invitae), Labcorp); PubMed 29666183 (cited by Labcorp Genetics (formerly Invitae), Labcorp).